The following is an entry in ClinVar:

ClinVar aggregate classification (germline): Likely benign. Review status: criteria provided, single submitter (1 of 4 stars). 2 submissions from 2 submitters: Likely benign (1). 1 of the submissions does not count toward it. Last evaluated 2023-12-19.

Conditions:
RPGRIP1L-related disorder. Also called: RPGRIP1L-related disorders; RPGRIP1L-related condition. Identifiers: MedGen CN239416.
Meckel-Gruber syndrome. Also called: Dysencephalia splachnocystica; DYSENCEPHALIA SPLANCHNOCYSTICA; GRUBER SYNDROME. Identifiers: Orphanet 564, MedGen C0265215, MONDO:0018921.
Joubert syndrome. Also called: Familial aplasia of the vermis; JOUBERT-BOLTSHAUSER SYNDROME. Identifiers: Orphanet 475, MedGen C5979921, MONDO:0018772.

Allele frequency attached by ClinVar (database versions not stated): gnomAD exomes below 0.00001; TOPMed below 0.00001.
gnomAD v4.1: 2 of 1,613,096 alleles (0.00012%); highest among the groups gnomAD compares: African/African-American, 0.0013%; no homozygotes.

Submissions (2):

Labcorp Genetics (formerly Invitae), Labcorp
Classification: Likely benign for Joubert syndrome; Meckel-Gruber syndrome. Last evaluated: 2023-12-19. Review status: criteria provided, single submitter. Criteria: Invitae Variant Classification Sherloc (09022015). Collection method: clinical testing. Allele origin: germline.

PreventionGenetics, part of Exact Sciences
Classification: Likely benign for RPGRIP1L-related condition. Last evaluated: 2022-09-30. Review status: no assertion criteria provided. Collection method: clinical testing. Allele origin: germline. Not counted in ClinVar's aggregate classification.
Comment: This variant is classified as likely benign based on ACMG/AMP sequence variant interpretation guidelines (Richards et al. 2015 PMID: 25741868, with internal and published modifications).

NM_015272.5(RPGRIP1L):c.1524G>A (p.Glu508=)

Gene: RPGRIP1L (RPGRIP1 like; minus strand). Cytogenetic location: 16q12.2.
Variant type: single nucleotide variant.
Coding change: c.1524G>A on transcript NM_015272.5 (MANE Select); coding-DNA position 1524, G replaced by A.
Protein change: p.Glu508=; no amino-acid change (glutamic acid 508 retained).
Molecular consequence: synonymous variant.
Genome position (GRCh38, 1-based): chr16:53,657,510, C>T on the plus strand (G>A on the coding strand, the complement: RPGRIP1L is on the minus strand). VCF-style: chr16-53657510-C-T. GRCh37 (hg19) VCF-style: chr16-53691422-C-T.
Other names: c.1524G>A, p.Glu508= (NM_001127897.4, NM_001308334.3, NM_001330538.2); c.1524G>A (NM_015272.4).
Identifiers: ClinVar variation 753017 (VCV000753017.10), dbSNP rs1238972011, ClinGen allele CA495537486.
Genomic context (GRCh38, chr16:53,657,510, plus strand): 5'-TACCTGATAATCTTTATTAATTTTGTGTTGCATAATTAGCATGTTTCTTGTCTTTTCCAG[C>T]TCTTGCACCGTTTCTGCATGAGTTGCTTGCAGCTCTCTCATAGAGCGTTCTAGATCTTTA-3'
Protein context (NP_056087.2, residues 498-518): LQATHAETVQ[Glu508=]LEKTRNMLIM